The following is an entry in ClinVar:

NC_000011.9:g.(?_102819734)_(102826539_?)dup

Gene: MMP13 (matrix metallopeptidase 13; minus strand). Cytogenetic location: 11q22.2.
Variant type: Duplication.
Identifiers: ClinVar variation 2424431 (VCV002424431.4).

ClinVar aggregate classification (germline): Uncertain significance (1 of 4 stars; one submission).

Submission:

Labcorp Genetics (formerly Invitae), Labcorp
Classification: Uncertain significance. Last evaluated: 2023-04-26. Review status: criteria provided, single submitter. Criteria: Invitae Variant Classification Sherloc (09022015). Collection method: clinical testing. Allele origin: germline.
Comment: In summary, the available evidence is currently insufficient to determine the role of this variant in disease. Therefore, it has been classified as a Variant of Uncertain Significance. Experimental studies and prediction algorithms are not available or were not evaluated, and the functional significance of this variant is currently unknown. This variant has not been reported in the literature in individuals affected with MMP13-related conditions. This variant results in a copy number gain of the genomic region encompassing exon(s) 1-7 of the MMP13 gene. This region includes the initiator codon of the gene. This copy number gain extends beyond the assayed region for this gene and therefore may encompass additional genes. As the precise location of this event is unknown, it may be in tandem or it may be located elsewhere in the genome.